The following is an entry in ClinVar:

ClinVar aggregate classification (germline): Uncertain significance (1 of 4 stars; one submission).

Conditions:
Holocarboxylase synthetase deficiency. Also called: MULTIPLE CARBOXYLASE DEFICIENCY, EARLY ONSET. Identifiers: Orphanet 79242, MedGen C0268581, MONDO:0009666, OMIM 253270.

Allele frequency attached by ClinVar (database versions not stated): gnomAD exomes below 0.00001; gnomAD 0.00001; TOPMed 0.00001.
gnomAD v4.1: 4 of 1,613,546 alleles (0.00025%); highest among the groups gnomAD compares: African/African-American, 0.004%; no homozygotes.

Submission:

Labcorp Genetics (formerly Invitae), Labcorp
Classification: Uncertain significance for Holocarboxylase synthetase deficiency. Last evaluated: 2022-09-27. Review status: criteria provided, single submitter. Criteria: Invitae Variant Classification Sherloc (09022015). Collection method: clinical testing. Allele origin: germline.
Comment: Advanced modeling of protein sequence and biophysical properties (such as structural, functional, and spatial information, amino acid conservation, physicochemical variation, residue mobility, and thermodynamic stability) has been performed at Invitae for this missense variant, however the output from this modeling did not meet the statistical confidence thresholds required to predict the impact of this variant on HLCS protein function. In summary, the available evidence is currently insufficient to determine the role of this variant in disease. Therefore, it has been classified as a Variant of Uncertain Significance. This variant has not been reported in the literature in individuals affected with HLCS-related conditions. ClinVar contains an entry for this variant (Variation ID: 1398965). This variant is not present in population databases (gnomAD no frequency). This sequence change replaces proline, which is neutral and non-polar, with threonine, which is neutral and polar, at codon 682 of the HLCS protein (p.Pro682Thr).

NM_001352514.2(HLCS):c.2485C>A (p.Pro829Thr)

Gene: HLCS (holocarboxylase synthetase; minus strand). Cytogenetic location: 21q22.13.
Variant type: single nucleotide variant.
Coding change: c.2485C>A on transcript NM_001352514.2 (MANE Select); coding-DNA position 2485, C replaced by A.
Protein change: p.Pro829Thr; replaces proline 829 with threonine.
Molecular consequence: missense variant. On other transcripts: non-coding transcript variant (2).
Genome position (GRCh38, 1-based): chr21:36,754,383, G>T on the plus strand (C>A on the coding strand, the complement: HLCS is on the minus strand). VCF-style: chr21-36754383-G-T. GRCh37 (hg19) VCF-style: chr21-38126684-G-T.
Other names: c.2044C>A, p.Pro682Thr (NM_000411.8, NM_001242784.3, NM_001242785.2 and 4 more transcripts); short protein forms P682T, P829T.
Identifiers: ClinVar variation 1398965 (VCV001398965.6), dbSNP rs1417729542, ClinGen allele CA409918288.